The following is an entry in ClinVar:

ClinVar aggregate classification (germline): Uncertain significance (1 of 4 stars; one submission).

Conditions:
Baller-Gerold syndrome (BGS). Also called: CRANIOSYNOSTOSIS WITH RADIAL DEFECTS. Identifiers: Orphanet 1225, MedGen C0265308, MONDO:0009039, OMIM 218600.

Submission:

Labcorp Genetics (formerly Invitae), Labcorp
Classification: Uncertain significance for Baller-Gerold syndrome. Last evaluated: 2026-01-11. Review status: criteria provided, single submitter. Criteria: Invitae Variant Classification Sherloc (09022015). Collection method: clinical testing. Allele origin: germline.
Comment: This sequence change replaces glutamine, which is neutral and polar, with histidine, which is basic and polar, at codon 479 of the RECQL4 protein (p.Gln479His). This variant is not present in population databases (gnomAD no frequency). This variant has not been reported in the literature in individuals affected with RECQL4-related conditions. ClinVar contains an entry for this variant (Variation ID: 1360644). Invitae Evidence Modeling of protein sequence and biophysical properties (such as structural, functional, and spatial information, amino acid conservation, physicochemical variation, residue mobility, and thermodynamic stability) indicates that this missense variant is not expected to disrupt RECQL4 protein function with a negative predictive value of 80%. In summary, the available evidence is currently insufficient to determine the role of this variant in disease. Therefore, it has been classified as a Variant of Uncertain Significance.

NM_004260.4(RECQL4):c.1437A>C (p.Gln479His)

Gene: RECQL4 (RecQ like helicase 4; minus strand). Cytogenetic location: 8q24.3.
Variant type: single nucleotide variant.
Coding change: c.1437A>C on transcript NM_004260.4 (MANE Select); coding-DNA position 1437, A replaced by C.
Protein change: p.Gln479His; replaces glutamine 479 with histidine.
Molecular consequence: missense variant.
Genome position (GRCh38, 1-based): chr8:144,515,196, T>G on the plus strand (A>C on the coding strand, the complement: RECQL4 is on the minus strand). VCF-style: chr8-144515196-T-G. GRCh37 (hg19) VCF-style: chr8-145740580-T-G.
Other names: short protein forms Q479H.
Identifiers: ClinVar variation 1360644 (VCV001360644.6), dbSNP rs2130706041, ClinGen allele CA372684813.